The following is an entry in ClinVar:

ClinVar aggregate classification (germline): Uncertain significance. Review status: criteria provided, multiple submitters, no conflicts (2 of 4 stars). 2 submissions from 2 submitters: Uncertain significance (2). Last evaluated 2025-08-11.

Conditions:
Autosomal dominant Alport syndrome (ATS3A). Also called: Alport syndrome dominant type; Renal failure and sensorineural hearing loss; ALPORT SYNDROME 3A, AUTOSOMAL DOMINANT. Identifiers: Orphanet 63, Orphanet 88918, MedGen C5882663, MONDO:0007086, OMIM 104200.
Hematuria, benign familial, 2 (BFH2). Identifiers: MedGen C5830421, MONDO:0958186, OMIM 620320.
Alport syndrome 3b, autosomal recessive. Identifiers: MedGen C5882699, MONDO:0957811, OMIM 620536.

gnomAD v4.1: 3 of 1,613,950 alleles (0.00019%); highest among the groups gnomAD compares: African/African-American, 0.0013%; no homozygotes.

Submissions (2):

Labcorp Genetics (formerly Invitae), Labcorp
Classification: Uncertain significance. Last evaluated: 2025-08-11. Review status: criteria provided, single submitter. Criteria: Invitae Variant Classification Sherloc (09022015). Collection method: clinical testing. Allele origin: germline.
Comment: This sequence change replaces glycine, which is neutral and non-polar, with arginine, which is basic and polar, at codon 943 of the COL4A3 protein (p.Gly943Arg). This variant is not present in population databases (gnomAD no frequency). This missense change has been observed in individual(s) with clinical features of Alport syndrome (PMID: 23967202, 25596306). ClinVar contains an entry for this variant (Variation ID: 3586068). Invitae Evidence Modeling of protein sequence and biophysical properties (such as structural, functional, and spatial information, amino acid conservation, physicochemical variation, residue mobility, and thermodynamic stability) indicates that this missense variant is expected to disrupt COL4A3 protein function with a positive predictive value of 80%. In summary, the available evidence is currently insufficient to determine the role of this variant in disease. Therefore, it has been classified as a Variant of Uncertain Significance.

Fulgent Genetics
Classification: Uncertain significance for Autosomal dominant Alport syndrome; Hematuria, benign familial, 2; Alport syndrome 3b, autosomal recessive. Last evaluated: 2024-02-05. Review status: criteria provided, single submitter. Criteria: ACMG Guidelines, 2015. Collection method: clinical testing. Allele origin: germline.

Literature cited by the submitters: PubMed 23967202 (cited by Labcorp Genetics (formerly Invitae), Labcorp); PubMed 25596306 (cited by Labcorp Genetics (formerly Invitae), Labcorp).

NM_000091.5(COL4A3):c.2827G>C (p.Gly943Arg)

Genes: MFF-DT (MFF divergent transcript; minus strand), COL4A3 (collagen type IV alpha 3 chain; plus strand). Cytogenetic location: 2q36.3.
Variant type: single nucleotide variant.
Coding change: c.2827G>C on transcript NM_000091.5 (MANE Select); coding-DNA position 2827, G replaced by C.
Protein change: p.Gly943Arg; replaces glycine 943 with arginine.
Molecular consequence: missense variant.
Genome position (GRCh38, 1-based): chr2:227,284,291, G>C. VCF-style: chr2-227284291-G-C. GRCh37 (hg19) VCF-style: chr2-228149007-G-C.
Other names: short protein forms G943R.
Identifiers: ClinVar variation 3586068 (VCV003586068.2).